The following is an entry in ClinVar:

ClinVar aggregate classification (germline): Uncertain significance (1 of 4 stars; one submission).

gnomAD v4.1: 1 of 1,613,526 alleles (0.000062%); highest among the groups gnomAD compares: Admixed American, 0.0017%; no homozygotes.

Submission:

GeneDx
Classification: Uncertain significance. Last evaluated: 2025-04-04. Review status: criteria provided, single submitter. Criteria: GeneDx Variant Classification Process June 2021. Collection method: clinical testing. Allele origin: germline. Affected: yes.
Comment: Not observed at significant frequency in large population cohorts (gnomAD); In silico analysis supports a deleterious effect on splicing; Has not been previously published as pathogenic or benign to our knowledge

NM_001127222.2(CACNA1A):c.6189G>A (p.Gln2063=)

Gene: CACNA1A (calcium voltage-gated channel subunit alpha1 A; minus strand). Cytogenetic location: 19p13.13.
Variant type: single nucleotide variant.
Coding change: c.6189G>A on transcript NM_001127222.2 (MANE Select); coding-DNA position 6189, G replaced by A.
Protein change: p.Gln2063=; no amino-acid change (glutamine 2063 retained).
Molecular consequence: synonymous variant.
Genome position (GRCh38, 1-based): chr19:13,212,384, C>T on the plus strand (G>A on the coding strand, the complement: CACNA1A is on the minus strand). VCF-style: chr19-13212384-C-T. GRCh37 (hg19) VCF-style: chr19-13323198-C-T.
Other names: c.6207G>A, p.Gln2069= (NM_000068.4, NM_023035.3); c.6192G>A, p.Gln2064= (NM_001127221.2); c.6198G>A, p.Gln2066= (NM_001174080.2).
Identifiers: ClinVar variation 4278735 (VCV004278735.1).
Genomic context (GRCh38, chr19:13,212,384, plus strand): 5'-CCCTTCCACCTGAACCACCCGGGCCCTGGGAGCCATTGGGGAGTTGGGGGACAGAGGCAC[C>T]TGAGAGTTAGGCTGGCTGTTGGGCATGTCGGTAGGGGGGCCTTGTTCCGGACTCCATGTG-3'
Protein context (NP_001120694.1, residues 2053-2073): TDMPNSQPNS[Gln2063=]SVEMREMGRD